The following is an entry in ClinVar:

NM_004815.4(ARHGAP29):c.1939C>T (p.Arg647Ter)

Gene: ARHGAP29 (Rho GTPase activating protein 29; minus strand). Cytogenetic location: 1p22.1.
Variant type: single nucleotide variant.
Coding change: c.1939C>T on transcript NM_004815.4 (MANE Select); coding-DNA position 1939, C replaced by T.
Protein change: p.Arg647Ter; replaces arginine 647 with a stop codon.
Molecular consequence: nonsense.
Genome position (GRCh38, 1-based): chr1:94,185,042, G>A on the plus strand (C>T on the coding strand, the complement: ARHGAP29 is on the minus strand). VCF-style: chr1-94185042-G-A. GRCh37 (hg19) VCF-style: chr1-94650598-G-A.
Other names: c.1939C>T, p.Arg647Ter (NM_001328664.2); c.1747C>T, p.Arg583Ter (NM_001328665.2, NM_001328667.2); c.1912C>T, p.Arg638Ter (NM_001328666.2); short protein forms R583*, R638*, R647*.
Identifiers: ClinVar variation 4086438 (VCV004086438.1).

ClinVar aggregate classification (germline): Pathogenic (1 of 4 stars; one submission).

gnomAD v4.1: 4 of 1,611,292 alleles (0.00025%); highest among the groups gnomAD compares: Admixed American, 0.0017%; no homozygotes.

Submission:

GeneDx
Classification: Pathogenic. Last evaluated: 2025-03-20. Review status: criteria provided, single submitter. Criteria: GeneDx Variant Classification Process June 2021. Collection method: clinical testing. Allele origin: germline. Affected: yes.
Comment: Nonsense variant predicted to result in protein truncation or nonsense mediated decay in a gene for which loss of function is a known mechanism of disease; Not observed at significant frequency in large population cohorts (gnomAD); This variant is associated with the following publications: (PMID: 33150183, 25704602, 39506048)